The following is an entry in ClinVar:

ClinVar aggregate classification (germline): Uncertain significance (1 of 4 stars; one submission).

Conditions:
Nemaline myopathy 8 (NEM8). Also called: Nemaline myopathy 8, autosomal recessive. Identifiers: Orphanet 171430, MedGen C3809209, MONDO:0014138, OMIM 615348.

gnomAD v4.1: 2 of 1,614,046 alleles (0.00012%); highest among the groups gnomAD compares: South Asian, 0.0011%; no homozygotes.

Submission:

Labcorp Genetics (formerly Invitae), Labcorp
Classification: Uncertain significance for Nemaline myopathy 8. Last evaluated: 2020-04-27. Review status: criteria provided, single submitter. Criteria: Invitae Variant Classification Sherloc (09022015). Collection method: clinical testing. Allele origin: germline.
Comment: This sequence change replaces aspartic acid with valine at codon 284 of the KLHL40 protein (p.Asp284Val). The aspartic acid residue is moderately conserved and there is a large physicochemical difference between aspartic acid and valine. This variant is not present in population databases (ExAC no frequency). This variant has not been reported in the literature in individuals with KLHL40-related conditions. Algorithms developed to predict the effect of missense changes on protein structure and function are either unavailable or do not agree on the potential impact of this missense change (SIFT: Deleterious; PolyPhen-2: Benign; Align-GVGD: Class C0). In summary, the available evidence is currently insufficient to determine the role of this variant in disease. Therefore, it has been classified as a Variant of Uncertain Significance.

NM_152393.4(KLHL40):c.851A>T (p.Asp284Val)

Gene: KLHL40 (kelch like family member 40; plus strand). Cytogenetic location: 3p22.1.
Variant type: single nucleotide variant.
Coding change: c.851A>T on transcript NM_152393.4 (MANE Select); coding-DNA position 851, A replaced by T.
Protein change: p.Asp284Val; replaces aspartic acid 284 with valine.
Molecular consequence: missense variant.
Genome position (GRCh38, 1-based): chr3:42,686,469, A>T. VCF-style: chr3-42686469-A-T. GRCh37 (hg19) VCF-style: chr3-42727961-A-T.
Other names: short protein forms D284V.
Identifiers: ClinVar variation 1034675 (VCV001034675.1), dbSNP rs1697275753, ClinGen allele CA352291304.